The following is an entry in ClinVar:

NM_001267550.2(TTN):c.14654T>C (p.Ile4885Thr)

Gene: TTN (titin; minus strand). Cytogenetic location: 2q31.2.
Variant type: single nucleotide variant.
Coding change: c.14654T>C on transcript NM_001267550.2 (MANE Select); coding-DNA position 14654, T replaced by C.
Protein change: p.Ile4885Thr; replaces isoleucine 4885 with threonine.
Molecular consequence: missense variant. On other transcripts: intron variant (3).
Genome position (GRCh38, 1-based): chr2:178,735,792, A>G on the plus strand (T>C on the coding strand, the complement: TTN is on the minus strand). VCF-style: chr2-178735792-A-G. GRCh37 (hg19) VCF-style: chr2-179600519-A-G.
Other names: p.I4568T:ATT>ACT; c.13703T>C, p.Ile4568Thr (NM_001256850.1); c.10922T>C, p.Ile3641Thr (NM_133378.4); c.13282+2290T>C (NM_003319.4); c.13858+2290T>C (NM_133437.4); c.13657+2290T>C (NM_133432.3); short protein forms I4568T, I4885T, I3641T.
Identifiers: ClinVar variation 203238 (VCV000203238.2), dbSNP rs794729605, ClinGen allele CA311773.

ClinVar aggregate classification (germline): Uncertain significance (1 of 4 stars; one submission).

Allele frequency attached by ClinVar (database versions not stated): gnomAD exomes below 0.00001; TOPMed below 0.00001.
gnomAD v4.1: 7 of 1,613,760 alleles (0.00043%); highest among the groups gnomAD compares: South Asian, 0.0033%; no homozygotes.

Submission:

GeneDx
Classification: Uncertain significance. Last evaluated: 2014-08-18. Review status: criteria provided, single submitter. Criteria: GeneDx Variant Classification (06012015). Collection method: clinical testing. Allele origin: germline. Affected: yes.
Comment: Missense variants in the TTN gene are considered 'unclassified' if they are not previously reported in the literature and do not have >1% frequency in the population to be considered a polymorphism. Research indicates that truncating mutations in the TTN gene are expected to account for approximately 25% of familial and 18% of sporadic idiopathic DCM; however, truncating variants in the TTN gene have been reported in approximately 3% of reported control alleles. There has been little investigation into non-truncating variants. (Herman D et al. Truncations of titin causing dilated cardiomyopathy. N Eng J Med 366:619-628, 2012) The variant is found in DCM-CRDM panel(s).